The following is an entry in ClinVar:

NM_001148.6(ANK2):c.2277+9C>T

Gene: ANK2 (ankyrin 2; plus strand). Cytogenetic location: 4q26.
Variant type: single nucleotide variant.
Coding change: c.2277+9C>T on transcript NM_001148.6 (MANE Select); 9 bases into the intron after coding-DNA position 2277, C replaced by T.
Molecular consequence: intron variant.
Genome position (GRCh38, 1-based): chr4:113,288,495, C>T. VCF-style: chr4-113288495-C-T. GRCh37 (hg19) VCF-style: chr4-114209651-C-T.
Other names: p.?; c.2265+9C>T (NM_001386186.2, NM_001386148.2); c.2067+9C>T (NM_001354269.3); c.2241+9C>T (NM_001386187.2); c.2235+9C>T (NM_001386147.1, NM_001386160.1, NM_001354261.2); c.2214+9C>T (NM_001354254.2, NM_001354239.2, NM_001354252.2 and 10 more transcripts); c.2115+9C>T (NM_001354253.2, NM_001354270.2, NM_001354257.2 and 1 more transcripts); c.2190+9C>T (NM_001354249.2, NM_001354266.2, NM_001354276.2 and 10 more transcripts); and 9 more.
Identifiers: ClinVar variation 238571 (VCV000238571.27), dbSNP rs141965666, ClinGen allele CA3050493.

ClinVar aggregate classification (germline): Benign/Likely benign. Review status: criteria provided, multiple submitters, no conflicts (2 of 4 stars). 13 submissions from 13 submitters: Benign (5); Likely benign (5). 3 of the submissions do not count toward it. Last evaluated 2026-02-03.

Conditions:
ANK2-related disorder. Also called: ANK2-related condition.
Long QT syndrome (LQTS). Identifiers: MedGen C0023976, MeSH D008133, MONDO:0002442. Disease mechanism: loss of function. Inheritance: Various modes of inheritance.
Cardiac arrhythmia, ankyrin-B-related. Also called: ANKYRIN-B SYNDROME. Identifiers: Orphanet 101016, Orphanet 768, MedGen C1970119, MONDO:0010958, OMIM 600919.

Allele frequency attached by ClinVar (database versions not stated): 1000 Genomes Project 30x 0.00078; 1000 Genomes Project 0.00100; TOPMed 0.00184; gnomAD 0.00194 and 0.00205; ESP Exome Variant Server 0.00231; gnomAD exomes 0.00253 and 0.00283; ExAC 0.00300.
gnomAD v4.1: 4,408 of 1,609,100 alleles (0.27%); highest among the groups gnomAD compares: Middle Eastern, 1.6%; 11 homozygotes.

Submissions (13):

Labcorp Genetics (formerly Invitae), Labcorp
Classification: Benign for Long QT syndrome. Last evaluated: 2026-02-03. Review status: criteria provided, single submitter. Criteria: Invitae Variant Classification Sherloc (09022015). Collection method: clinical testing. Allele origin: germline.

Molecular Diagnostic Laboratory for Inherited Cardiovascular Disease, Montreal Heart Institute
Classification: Likely benign. Last evaluated: 2025-04-09. Review status: criteria provided, single submitter. Criteria: ACMG Guidelines, 2015. Collection method: clinical testing. Allele origin: germline. Affected: no.

Blueprint Genetics
Classification: Likely benign. Last evaluated: 2024-11-22. Review status: criteria provided, single submitter. Criteria: ACMG Guidelines, 2015. Collection method: clinical testing. Allele origin: germline.

Mayo Clinic Laboratories, Mayo Clinic
Classification: Benign. Last evaluated: 2024-09-18. Review status: criteria provided, single submitter. Criteria: ACMG Guidelines, 2015. Collection method: clinical testing. Allele origin: germline. Observed: 10 variant alleles.
Comment: BS1, BS2, BP4, BP7

Genome-Nilou Lab
Classification: Benign for Cardiac arrhythmia, ankyrin-B-related. Last evaluated: 2021-12-05. Review status: criteria provided, single submitter. Criteria: ACMG Guidelines, 2015. Collection method: clinical testing. Allele origin: germline. Affected: no.

Illumina Laboratory Services, Illumina
Classification: Likely benign for Cardiac arrhythmia, ankyrin-B-related. Last evaluated: 2018-01-13. Review status: criteria provided, single submitter. Criteria: ICSL Variant Classification Criteria 13 December 2019. Collection method: clinical testing. Allele origin: germline.
Comment: This variant was observed in the ICSL laboratory as part of a predisposition screen in an ostensibly healthy population. It had not been previously curated by ICSL or reported in the Human Gene Mutation Database (HGMD: prior to June 1st, 2018), and was therefore a candidate for classification through an automated scoring system. Utilizing variant allele frequency, disease prevalence and penetrance estimates, and inheritance mode, an automated score was calculated to assess if this variant is too frequent to cause the disease. Based on the score and internal cut-off values, a variant classified as likely benign is not then subjected to further curation. The score for this variant resulted in a classification of likely benign for this disease.

Women's Health and Genetics/Laboratory Corporation of America, LabCorp
Classification: Benign. Last evaluated: 2017-08-10. Review status: criteria provided, single submitter. Criteria: LabCorp Variant Classification Summary - May 2015. Collection method: clinical testing. Allele origin: germline.
Comment: Variant summary: The ANK2 c.2277+9C>T variant involves the alteration of a non-conserved intronic nucleotide. MutationTaster predicts a benign outcome for this variant. 5/5 splice prediction tools predict no significant impact on normal splicing. However, these predictions have yet to be confirmed by functional studies. This variant was found in the large control database ExAC at a frequency of 0.0030006 (359/119642 control chromosomes [2 homozygotes]), which is approximately 300 times the estimated maximal expected allele frequency of a pathogenic ANK2 variant (0.00001), strongly suggesting this variant is likely a benign polymorphism. In ClinVar, one clinical diagnostic laboratory classified this variant as benign (Invitae), while another classified this variant as uncertain significance (Illumina). The variant of interest has not, to our knowledge, been reported in affected individuals via publications, nor evaluated for functional impact by in vivo/vitro studies. Taken together, this variant is classified as benign.

Genome Diagnostics Laboratory, University Medical Center Utrecht
Classification: Likely benign for Cardiac arrhythmia, ankyrin-B-related. Last evaluated: 2017-07-28. Review status: criteria provided, single submitter. Criteria: ACGS Guidelines, 2013. Collection method: clinical testing. Allele origin: germline. Affected: yes. Study: VKGL Data-share Consensus.

GeneDx
Classification: Benign. Last evaluated: 2015-03-03. Review status: criteria provided, single submitter. Criteria: GeneDx Variant Classification Process June 2021. Collection method: clinical testing. Allele origin: germline. Affected: yes.

Breakthrough Genomics
Classification: Likely benign. Review status: criteria provided, single submitter. Criteria: ACMG Guidelines, 2015. Collection method: not provided. Allele origin: germline. Inheritance: Autosomal dominant inheritance. Affected: yes.

PreventionGenetics, part of Exact Sciences
Classification: Benign for ANK2-related condition. Last evaluated: 2019-07-23. Review status: no assertion criteria provided. Collection method: clinical testing. Allele origin: germline. Not counted in ClinVar's aggregate classification.
Comment: This variant is classified as benign based on ACMG/AMP sequence variant interpretation guidelines (Richards et al. 2015 PMID: 25741868, with internal and published modifications).

Clinical Genetics, Academic Medical Center
Classification: Benign. Review status: no assertion criteria provided. Collection method: clinical testing. Allele origin: germline. Affected: yes. Study: VKGL Data-share Consensus. Not counted in ClinVar's aggregate classification.

Joint Genome Diagnostic Labs from Nijmegen and Maastricht, Radboudumc and MUMC+
Classification: Benign. Review status: no assertion criteria provided. Collection method: clinical testing. Allele origin: germline. Affected: yes. Study: VKGL Data-share Consensus. Not counted in ClinVar's aggregate classification.